The following is an entry in ClinVar:

ClinVar aggregate classification (germline): Likely pathogenic (1 of 4 stars; one submission).

Submission:

Dasa
Classification: Likely pathogenic. Last evaluated: 2024-06-06. Review status: criteria provided, single submitter. Criteria: DASA Assertion Criteria. Collection method: clinical testing. Allele origin: germline.
Comment: NM_003470.3(USP7):c.2441C>G (p.Ser814*) is a nonsense variant in USP7 predicted to introduce a premature termination codon. Loss of function is an established disease mechanism for USP7 (PMID: 30679821; PMID: 36466803; PMID: 33012787). Based on the currently available evidence, this variant is classified as likely pathogenic.

Literature cited by the submitters: PubMed 30679821; PubMed 36466803; PubMed 33012787.

NM_003470.3(USP7):c.2441C>G (p.Ser814Ter)

Gene: USP7 (ubiquitin specific peptidase 7; minus strand). Cytogenetic location: 16p13.2.
Variant type: single nucleotide variant.
Coding change: c.2441C>G on transcript NM_003470.3 (MANE Select); coding-DNA position 2441, C replaced by G.
Protein change: p.Ser814Ter; replaces serine 814 with a stop codon.
Molecular consequence: nonsense. On other transcripts: non-coding transcript variant (1).
Genome position (GRCh38, 1-based): chr16:8,899,626, G>C on the plus strand (C>G on the coding strand, the complement: USP7 is on the minus strand). VCF-style: chr16-8899626-G-C. GRCh37 (hg19) VCF-style: chr16-8993483-G-C.
Other names: c.2393C>G, p.Ser798Ter (NM_001286457.2); c.2144C>G, p.Ser715Ter (NM_001286458.2); c.2267C>G, p.Ser756Ter (NM_001321858.2); short protein forms S715*, S756*, S798*, S814*.
Identifiers: ClinVar variation 4852619 (VCV004852619.2).
Genomic context (GRCh38, chr16:8,899,626, plus strand): 5'-AGTGGGATCTGAAGAGGAAAGGAGCATTTATTAAATACCTGAAAATAATTCATTCTATTT[G>C]ATAACGTAACCACAAATCCAGGATCATTAGGGATTGTTTTATCACAGAAAATGACATCAA-3'